The following is an entry in ClinVar:

NM_000875.5(IGF1R):c.3723-6C>T

Gene: IGF1R (insulin like growth factor 1 receptor; plus strand). Cytogenetic location: 15q26.3.
Variant type: single nucleotide variant.
Coding change: c.3723-6C>T on transcript NM_000875.5 (MANE Select); 6 bases into the intron before coding-DNA position 3723, C replaced by T.
Molecular consequence: intron variant.
Genome position (GRCh38, 1-based): chr15:98,957,055, C>T. VCF-style: chr15-98957055-C-T. GRCh37 (hg19) VCF-style: chr15-99500284-C-T.
Other names: c.3720-6C>T (NM_001291858.2).
Identifiers: ClinVar variation 2034111 (VCV002034111.4), dbSNP rs971802250, ClinGen allele CA275332161.
Genomic context (GRCh38, chr15:98,957,055, plus strand): 5'-CCATGAAGCCTCCTGGCCATGTGCGCCCTCCCGGTTTGGACCCCCTCCCGTGTGTCTTGG[C>T]TGCAGGTTTGAACTGATGCGCATGTGCTGGCAGTATAACCCCAAGATGAGGCCTTCCTTC-3'

ClinVar aggregate classification (germline): Uncertain significance (1 of 4 stars; one submission).

Allele frequency attached by ClinVar (database versions not stated): gnomAD exomes below 0.00001; gnomAD 0.00001; TOPMed 0.00002.
gnomAD v4.1: 2 of 1,614,044 alleles (0.00012%); highest among the groups gnomAD compares: African/African-American, 0.0027%; no homozygotes.

Submission:

Labcorp Genetics (formerly Invitae), Labcorp
Classification: Uncertain significance. Last evaluated: 2022-10-04. Review status: criteria provided, single submitter. Criteria: Invitae Variant Classification Sherloc (09022015). Collection method: clinical testing. Allele origin: germline.
Comment: In summary, the available evidence is currently insufficient to determine the role of this variant in disease. Therefore, it has been classified as a Variant of Uncertain Significance. Algorithms developed to predict the effect of sequence changes on RNA splicing suggest that this variant may create or strengthen a splice site. This variant has not been reported in the literature in individuals affected with IGF1R-related conditions. This variant is present in population databases (no rsID available, gnomAD 0.007%). This sequence change falls in intron 20 of the IGF1R gene. It does not directly change the encoded amino acid sequence of the IGF1R protein.